The following is an entry in ClinVar:

NM_005476.7(GNE):c.622G>A (p.Asp208Asn)

Gene: GNE (glucosamine (UDP-N-acetyl)-2-epimerase/N-acetylmannosamine kinase; minus strand). Cytogenetic location: 9p13.3.
Variant type: single nucleotide variant.
Coding change: c.622G>A on transcript NM_005476.7 (MANE Select); coding-DNA position 622, G replaced by A.
Protein change: p.Asp208Asn; replaces aspartic acid 208 with asparagine.
Molecular consequence: missense variant. On other transcripts: intron variant (2).
Genome position (GRCh38, 1-based): chr9:36,236,979, C>T on the plus strand (G>A on the coding strand, the complement: GNE is on the minus strand). VCF-style: chr9-36236979-C-T. GRCh37 (hg19) VCF-style: chr9-36236976-C-T.
Other names: c.715G>A, p.Asp239Asn (NM_001128227.3); c.622G>A, p.Asp208Asn (NM_001190383.3); c.445G>A, p.Asp149Asn (NM_001190388.2, NM_001374798.1); c.440-2847G>A (NM_001190384.3); c.617-2847G>A (NM_001374797.1); short protein forms D208N, D149N, D239N.
Identifiers: ClinVar variation 2136775 (VCV002136775.5), dbSNP rs2489735126, ClinGen allele CA373415594.
Genomic context (GRCh38, chr9:36,236,979, plus strand): 5'-GCTTAATGTCAGTGGTCACAGGGTGCTGTAGTGCAACAATGTAATCTTTAGATTTTACAT[C>T]ATCACCTGTTTAAAGAAAATCAAACCACATTGCTTCATTAGTTAAGAATCTTAAAAGAGA-3'
Protein context (NP_005467.1, residues 198-218): MSIIRMWLGD[Asp208Asn]VKSKDYIVAL

ClinVar aggregate classification (germline): Conflicting classifications of pathogenicity. Review status: criteria provided, conflicting classifications (1 of 4 stars). 2 submissions from 2 submitters: Likely pathogenic (1); Uncertain significance (1). Last evaluated 2022-07-01.

Conditions:
GNE myopathy (NM). Also called: NONAKA DISTAL MYOPATHY; MYOPATHY, DISTAL, WITH OR WITHOUT RIMMED VACUOLES; IBM 2; Inclusion body myopathy autosomal recessive; Inclusion body myopathy quadriceps sparing; INCLUSION BODY MYOPATHY, HEREDITARY, AUTOSOMAL RECESSIVE. Identifiers: Orphanet 602, MedGen C1853926, MONDO:0011603, OMIM 605820.
Sialuria. Also called: SIALURIA, FRENCH TYPE; Sialic Acid Storage Disease. Identifiers: Orphanet 3166, MedGen C0342853, MONDO:0010028, OMIM 269921.

Submissions (2):

Labcorp Genetics (formerly Invitae), Labcorp
Classification: Likely pathogenic for Sialuria; GNE myopathy. Last evaluated: 2022-07-01. Review status: criteria provided, single submitter. Criteria: Invitae Variant Classification Sherloc (09022015). Collection method: clinical testing. Allele origin: germline.
Comment: This variant is not present in population databases (gnomAD no frequency). This sequence change replaces aspartic acid, which is acidic and polar, with asparagine, which is neutral and polar, at codon 239 of the GNE protein (p.Asp239Asn). In summary, the currently available evidence indicates that the variant is pathogenic, but additional data are needed to prove that conclusively. Therefore, this variant has been classified as Likely Pathogenic. Advanced modeling of protein sequence and biophysical properties (such as structural, functional, and spatial information, amino acid conservation, physicochemical variation, residue mobility, and thermodynamic stability) performed at Invitae indicates that this missense variant is not expected to disrupt GNE protein function. This variant is also known as p.Asp208Asn. This missense change has been observed in individual(s) with autosomal recessive GNE-related conditions (PMID: 23549799, 30467490). In at least one individual the data is consistent with being in trans (on the opposite chromosome) from a pathogenic variant. It has also been observed to segregate with disease in related individuals.

Blueprint Genetics
Classification: Uncertain significance. Last evaluated: 2020-04-30. Review status: criteria provided, single submitter. Criteria: ACMG Guidelines, 2015. Collection method: clinical testing. Allele origin: germline.

Literature cited by the submitters: PubMed 23549799 (cited by Labcorp Genetics (formerly Invitae), Labcorp); PubMed 30467490 (cited by Labcorp Genetics (formerly Invitae), Labcorp).